The following is an entry in ClinVar:

ClinVar aggregate classification (germline): Uncertain significance. Review status: criteria provided, multiple submitters, no conflicts (2 of 4 stars). 2 submissions from 2 submitters: Uncertain significance (2). Last evaluated 2024-07-09.

Conditions:
Nemaline myopathy 6 (NEM6). Also called: Nemaline myopathy 6, autosomal dominant. Identifiers: Orphanet 171439, MedGen C1836472, MONDO:0012237, OMIM 609273.

Allele frequency attached by ClinVar (database versions not stated): gnomAD exomes below 0.00001.
gnomAD v4.1: 2 of 1,528,180 alleles (0.00013%); highest among the groups gnomAD compares: South Asian, 0.0012%; no homozygotes.

Submissions (2):

Revvity Omics, Revvity
Classification: Uncertain significance for Nemaline myopathy 6. Last evaluated: 2024-07-09. Review status: criteria provided, single submitter. Criteria: ACMG Guidelines, 2015. Collection method: clinical testing. Allele origin: germline.

Labcorp Genetics (formerly Invitae), Labcorp
Classification: Uncertain significance for Nemaline myopathy 6. Last evaluated: 2023-10-13. Review status: criteria provided, single submitter. Criteria: Invitae Variant Classification Sherloc (09022015). Collection method: clinical testing. Allele origin: germline.
Comment: This sequence change replaces valine, which is neutral and non-polar, with methionine, which is neutral and non-polar, at codon 204 of the KBTBD13 protein (p.Val204Met). The frequency data for this variant in the population databases is considered unreliable, as metrics indicate poor data quality at this position in the gnomAD database. This variant has not been reported in the literature in individuals affected with KBTBD13-related conditions. Advanced modeling of protein sequence and biophysical properties (such as structural, functional, and spatial information, amino acid conservation, physicochemical variation, residue mobility, and thermodynamic stability) performed at Invitae indicates that this missense variant is not expected to disrupt KBTBD13 protein function. In summary, the available evidence is currently insufficient to determine the role of this variant in disease. Therefore, it has been classified as a Variant of Uncertain Significance.

NM_001101362.3(KBTBD13):c.610G>A (p.Val204Met)

Gene: KBTBD13 (kelch repeat and BTB domain containing 13; plus strand). Cytogenetic location: 15q22.31.
Variant type: single nucleotide variant.
Coding change: c.610G>A on transcript NM_001101362.3 (MANE Select); coding-DNA position 610, G replaced by A.
Protein change: p.Val204Met; replaces valine 204 with methionine.
Molecular consequence: missense variant.
Genome position (GRCh38, 1-based): chr15:65,077,425, G>A. VCF-style: chr15-65077425-G-A. GRCh37 (hg19) VCF-style: chr15-65369763-G-A.
Other names: short protein forms V204M.
Identifiers: ClinVar variation 3003544 (VCV003003544.4), dbSNP rs1334100611, ClinGen allele CA392861739.